The following is an entry in ClinVar:

ClinVar aggregate classification (germline): Uncertain significance. Review status: criteria provided, single submitter (1 of 4 stars). 2 submissions from 2 submitters: Uncertain significance (1). 1 of the submissions does not count toward it. Last evaluated 2024-01-04.

Conditions:
UCP3-related disorder. Also called: UCP3-related condition.

Allele frequency attached by ClinVar (database versions not stated): gnomAD 0.00002; gnomAD exomes 0.00002; TOPMed 0.00002; ExAC 0.00003.
gnomAD v4.1: 33 of 1,614,110 alleles (0.002%); highest among the groups gnomAD compares: Non-Finnish European, 0.0024%; no homozygotes.

Submissions (2):

Ambry Genetics
Classification: Uncertain significance. Last evaluated: 2024-01-04. Review status: criteria provided, single submitter. Criteria: Ambry Variant Classification Scheme 2023. Collection method: clinical testing. Allele origin: germline.

PreventionGenetics, part of Exact Sciences
Classification: Uncertain significance for UCP3-related condition. Last evaluated: 2024-07-10. Review status: no assertion criteria provided. Collection method: clinical testing. Allele origin: germline. Not counted in ClinVar's aggregate classification.
Comment: The UCP3 c.683G>A variant is predicted to result in the amino acid substitution p.Gly228Asp. To our knowledge, this variant has not been reported in the literature. This variant is reported in 0.0040% of alleles in individuals of African descent in gnomAD. At this time, the clinical significance of this variant is uncertain due to the absence of conclusive functional and genetic evidence.

NM_003356.4(UCP3):c.683G>A (p.Gly228Asp)

Gene: UCP3 (uncoupling protein 3; minus strand). Cytogenetic location: 11q13.4.
Variant type: single nucleotide variant.
Coding change: c.683G>A on transcript NM_003356.4 (MANE Select); coding-DNA position 683, G replaced by A.
Protein change: p.Gly228Asp; replaces glycine 228 with aspartic acid.
Molecular consequence: missense variant.
Genome position (GRCh38, 1-based): chr11:74,003,968, C>T on the plus strand (G>A on the coding strand, the complement: UCP3 is on the minus strand). VCF-style: chr11-74003968-C-T. GRCh37 (hg19) VCF-style: chr11-73715013-C-T.
Other names: c.683G>A, p.Gly228Asp (NM_022803.3); short protein forms G228D.
Identifiers: ClinVar variation 3185996 (VCV003185996.2), dbSNP rs779916199, ClinGen allele CA6181394.